The following is an entry in ClinVar:

ClinVar aggregate classification (germline): Likely pathogenic (1 of 4 stars; one submission).

Submission:

Quest Diagnostics Nichols Institute San Juan Capistrano
Classification: Likely pathogenic. Last evaluated: 2023-08-31. Review status: criteria provided, single submitter. Criteria: Quest Diagnostics criteria. Collection method: clinical testing. Allele origin: unknown.
Comment: This variant alters the translational reading frame of the FANCM mRNA and is predicted to cause the premature termination of FANCM protein synthesis. To the best of our knowledge, this variant has not been reported in the published literature. It also has not been reported in large, multi-ethnic general populations (Genome Aggregation Database). Based on the available information, this variant is classified as likely pathogenic.

NM_020937.4(FANCM):c.5928_5931del (p.Phe1975_Tyr1976insTer)

Gene: FANCM (FA complementation group M; plus strand). Cytogenetic location: 14q21.2.
Variant type: Microsatellite.
Coding change: c.5928_5931del on transcript NM_020937.4 (MANE Select); coding-DNA positions 5928 to 5931, 4 bases deleted (TTTA; older notation c.5928_5931delTTTA).
Protein change: p.Phe1975_Tyr1976insTer.
Molecular consequence: nonsense.
Genome position (GRCh38, 1-based): chr14:45,198,855-45,198,858, TTTA deleted; deleting any 4 consecutive bases within chr14:45,198,851-45,198,858 gives the same sequence; the c. name uses the placement nearest the transcript's 3' end. VCF-style (leftmost placement, unchanged base first): chr14-45198850-TTTTA-T. GRCh37 (hg19) VCF-style: chr14-45668053-TTTTA-T.
Other names: c.5850_5853del, p.Phe1949_Tyr1950insTer (NM_001308133.2).
Identifiers: ClinVar variation 2681935 (VCV002681935.1), dbSNP rs2503280908, ClinGen allele CA2697553904.